The following is an entry in ClinVar:

NM_080680.3(COL11A2):c.3878G>C (p.Arg1293Pro)

Gene: COL11A2 (collagen type XI alpha 2 chain; minus strand). Cytogenetic location: 6p21.32.
Variant type: single nucleotide variant.
Coding change: c.3878G>C on transcript NM_080680.3 (MANE Select); coding-DNA position 3878, G replaced by C.
Protein change: p.Arg1293Pro; replaces arginine 1293 with proline.
Molecular consequence: missense variant.
Genome position (GRCh38, 1-based): chr6:33,168,734, C>G on the plus strand (G>C on the coding strand, the complement: COL11A2 is on the minus strand). VCF-style: chr6-33168734-C-G. GRCh37 (hg19) VCF-style: chr6-33136511-C-G.
Other names: c.3698G>C, p.Arg1233Pro (NM_001424108.1); c.3032G>C, p.Arg1011Pro (NM_001424109.1); c.2852G>C, p.Arg951Pro (NM_001424110.1, NM_001424111.1); c.1832G>C, p.Arg611Pro (NM_001424112.1); c.3557G>C, p.Arg1186Pro (NM_080679.3); c.3620G>C, p.Arg1207Pro (NM_080681.3); short protein forms R1186P, R1207P, R611P, R1011P, R1233P, R1293P, R951P.
Identifiers: ClinVar variation 2756257 (VCV002756257.3), dbSNP rs727504832, ClinGen allele CA363625051.
Genomic context (GRCh38, chr6:33,168,734, plus strand): 5'-TCAGGGGGGTGGTGGGGTCACCAGGCACTCACAGGCTGTCCTGGCTCACCATCCTCGCCT[C>G]GGTCACCCTTAGCACCATCCTGGCCCTGCAGAAGTGAAGCAAGGTCAGAGGTGGGCCCCC-3'
Protein context (NP_542411.2, residues 1283-1303): PRGQDGAKGD[Arg1293Pro]GEDGEPGQPG

ClinVar aggregate classification (germline): Uncertain significance (1 of 4 stars; one submission).

Submission:

Labcorp Genetics (formerly Invitae), Labcorp
Classification: Uncertain significance. Last evaluated: 2023-10-26. Review status: criteria provided, single submitter. Criteria: Invitae Variant Classification Sherloc (09022015). Collection method: clinical testing. Allele origin: germline.
Comment: This sequence change replaces arginine, which is basic and polar, with proline, which is neutral and non-polar, at codon 1293 of the COL11A2 protein (p.Arg1293Pro). This variant is not present in population databases (gnomAD no frequency). This variant has not been reported in the literature in individuals affected with COL11A2-related conditions. Advanced modeling of protein sequence and biophysical properties (such as structural, functional, and spatial information, amino acid conservation, physicochemical variation, residue mobility, and thermodynamic stability) performed at Invitae indicates that this missense variant is not expected to disrupt COL11A2 protein function with a negative predictive value of 95%. In summary, the available evidence is currently insufficient to determine the role of this variant in disease. Therefore, it has been classified as a Variant of Uncertain Significance.